The following is an entry in ClinVar:

NM_194454.3(KRIT1):c.1373del (p.Gln458fs)

Gene: KRIT1 (KRIT1 ankyrin repeat containing; minus strand). Cytogenetic location: 7q21.2.
Variant type: Deletion.
Coding change: c.1373del on transcript NM_194454.3 (MANE Select); coding-DNA position 1373, one base deleted (A; older notation c.1373delA).
Protein change: p.Gln458fs; shifts the reading frame from glutamine 458.
Molecular consequence: frameshift variant.
Genome position (GRCh38, 1-based): chr7:92,222,860, T deleted on the plus strand (A on the coding strand, the reverse complement: KRIT1 is on the minus strand). VCF-style (leftmost placement, unchanged base first): chr7-92222859-CT-C. GRCh37 (hg19) VCF-style: chr7-91852173-CT-C.
Other names: c.1373del, p.Gln458fs (NM_001350697.1, NM_194455.1, NM_194456.1 and 26 more transcripts); c.1229del, p.Gln410fs (NM_001013406.2, NM_001350669.1, NM_001350670.1); c.659del, p.Gln220fs (NM_001350671.1); c.1373delA (NM_194456.1); short protein forms Q220fs, Q410fs, Q458fs.
Identifiers: ClinVar variation 580059 (VCV000580059.7), dbSNP rs1563266147, ClinGen allele CA891842817.

ClinVar aggregate classification (germline): Pathogenic (1 of 4 stars; one submission).

Conditions:
Cerebral cavernous malformation (CCM). Also called: Cavernous Hemangioma of Brain; Cerebral cavernous hemangioma (type); CAVERNOUS ANGIOMA, FAMILIAL; CAVERNOUS ANGIOMATOUS MALFORMATIONS; CEREBRAL CAPILLARY MALFORMATIONS; Cerebral cavernous malformations. Identifiers: Orphanet 221061, MedGen C2919945, MONDO:0000820, OMIM 116860, HP:0033522.

Submission:

Labcorp Genetics (formerly Invitae), Labcorp
Classification: Pathogenic for Cerebral cavernous malformation. Last evaluated: 2018-04-11. Review status: criteria provided, single submitter. Criteria: Invitae Variant Classification Sherloc (09022015). Collection method: clinical testing. Allele origin: germline.
Comment: For these reasons, this variant has been classified as Pathogenic. Loss-of-function variants in KRIT1 are known to be pathogenic (PMID: 10508515, 11222804, 12404106). This variant has not been reported in the literature in individuals with KRIT1-related disease. This variant is not present in population databases (ExAC no frequency). This sequence change creates a premature translational stop signal (p.Gln458Argfs*37) in the KRIT1 gene. It is expected to result in an absent or disrupted protein product.

Literature cited by the submitters: PubMed 10508515; PubMed 11222804; PubMed 12404106.